The following is an entry in ClinVar:

ClinVar aggregate classification (germline): Uncertain significance. Review status: criteria provided, single submitter (1 of 4 stars). 2 submissions from 2 submitters: Uncertain significance (1). 1 of the submissions does not count toward it. Last evaluated 2021-12-04.

Conditions:
TH-deficient dopa-responsive dystonia. Also called: Tyrosine Hydroxylase-Deficient Dopa-Responsive Dystonia; Segawa syndrome, autosomal recessive; DYT-TH. Identifiers: Orphanet 101150, MedGen C2673535, MONDO:0011551, OMIM 605407.

gnomAD v4.1: 2 of 1,605,256 alleles (0.00012%); highest among the groups gnomAD compares: South Asian, 0.0011%; no homozygotes.

Submissions (2):

Labcorp Genetics (formerly Invitae), Labcorp
Classification: Uncertain significance for TH-deficient dopa-responsive dystonia. Last evaluated: 2021-12-04. Review status: criteria provided, single submitter. Criteria: Invitae Variant Classification Sherloc (09022015). Collection method: clinical testing. Allele origin: germline.
Comment: This sequence change falls in intron 8 of the TH gene. It does not directly change the encoded amino acid sequence of the TH protein. It affects a nucleotide within the consensus splice site. This variant is not present in population databases (gnomAD no frequency). This variant has not been reported in the literature in individuals affected with TH-related conditions. Variants that disrupt the consensus splice site are a relatively common cause of aberrant splicing (PMID: 17576681, 9536098). Algorithms developed to predict the effect of sequence changes on RNA splicing suggest that this variant may create or strengthen a splice site. In summary, the available evidence is currently insufficient to determine the role of this variant in disease. Therefore, it has been classified as a Variant of Uncertain Significance.

Natera, Inc.
Classification: Uncertain significance for Autosomal recessive Segawa syndrome. Last evaluated: 2025-05-20. Review status: no assertion criteria provided. Collection method: clinical testing. Allele origin: germline. Not counted in ClinVar's aggregate classification.

Literature cited by the submitters: PubMed 17576681 (cited by Labcorp Genetics (formerly Invitae), Labcorp); PubMed 9536098 (cited by Labcorp Genetics (formerly Invitae), Labcorp).

NM_000360.4(TH):c.841+3G>A

Gene: TH (tyrosine hydroxylase; minus strand). Cytogenetic location: 11p15.5.
Variant type: single nucleotide variant.
Coding change: c.841+3G>A on transcript NM_000360.4 (MANE Select); 3 bases into the intron after coding-DNA position 841, G replaced by A.
Molecular consequence: intron variant.
Genome position (GRCh38, 1-based): chr11:2,166,884, C>T on the plus strand (G>A on the coding strand, the complement: TH is on the minus strand). VCF-style: chr11-2166884-C-T. GRCh37 (hg19) VCF-style: chr11-2188114-C-T.
Other names: c.922+3G>A (NM_199293.3); c.934+3G>A (NM_199292.3, NM_199292.2).
Identifiers: ClinVar variation 1396605 (VCV001396605.4), dbSNP rs528887823, ClinGen allele CA674607029.